The following is an entry in ClinVar:

NM_001353214.3(DYM):c.416A>G (p.Asn139Ser)

Gene: DYM (dymeclin; minus strand). Cytogenetic location: 18q21.1.
Variant type: single nucleotide variant.
Coding change: c.416A>G on transcript NM_001353214.3 (MANE Select); coding-DNA position 416, A replaced by G.
Protein change: p.Asn139Ser; replaces asparagine 139 with serine.
Molecular consequence: missense variant. On other transcripts: intron variant (5).
Genome position (GRCh38, 1-based): chr18:49,378,572, T>C on the plus strand (A>G on the coding strand, the complement: DYM is on the minus strand). VCF-style: chr18-49378572-T-C. GRCh37 (hg19) VCF-style: chr18-46904942-T-C.
Other names: c.416A>G, p.Asn139Ser (NM_001353210.3, NM_001353213.3, NM_001353215.3 and 12 more transcripts); c.413A>G, p.Asn138Ser (NM_001353211.3, NM_001353212.3, NM_001374429.1 and 1 more transcripts); c.193+13021A>G (NM_001374443.1, NM_001374444.1, NM_001374442.1 and 2 more transcripts); short protein forms N138S, N139S.
Identifiers: ClinVar variation 859761 (VCV000859761.9), dbSNP rs747398994, ClinGen allele CA299919196.

ClinVar aggregate classification (germline): Uncertain significance (1 of 4 stars; one submission).

gnomAD v4.1: 1 of 1,609,544 alleles (0.000062%); highest among the groups gnomAD compares: Non-Finnish European, 0.000085%; no homozygotes.

Submission:

Labcorp Genetics (formerly Invitae), Labcorp
Classification: Uncertain significance. Last evaluated: 2024-01-08. Review status: criteria provided, single submitter. Criteria: Invitae Variant Classification Sherloc (09022015). Collection method: clinical testing. Allele origin: germline.
Comment: This sequence change replaces asparagine, which is neutral and polar, with serine, which is neutral and polar, at codon 139 of the DYM protein (p.Asn139Ser). This variant is not present in population databases (gnomAD no frequency). This variant has not been reported in the literature in individuals affected with DYM-related conditions. ClinVar contains an entry for this variant (Variation ID: 859761). Advanced modeling of protein sequence and biophysical properties (such as structural, functional, and spatial information, amino acid conservation, physicochemical variation, residue mobility, and thermodynamic stability) performed at Invitae indicates that this missense variant is not expected to disrupt DYM protein function with a negative predictive value of 80%. In summary, the available evidence is currently insufficient to determine the role of this variant in disease. Therefore, it has been classified as a Variant of Uncertain Significance.